The following is an entry in ClinVar:

ClinVar aggregate classification (germline): Uncertain significance (1 of 4 stars; one submission).

Submission:

Labcorp Genetics (formerly Invitae), Labcorp
Classification: Uncertain significance. Last evaluated: 2022-07-11. Review status: criteria provided, single submitter. Criteria: Invitae Variant Classification Sherloc (09022015). Collection method: clinical testing. Allele origin: germline.
Comment: This variant has not been reported in the literature in individuals affected with MYO7A-related conditions. This variant is not present in population databases (gnomAD no frequency). This sequence change falls in intron 33 of the MYO7A gene. It does not directly change the encoded amino acid sequence of the MYO7A protein. ClinVar contains an entry for this variant (Variation ID: 1523810). Algorithms developed to predict the effect of sequence changes on RNA splicing suggest that this variant may disrupt the consensus splice site. In summary, the available evidence is currently insufficient to determine the role of this variant in disease. Therefore, it has been classified as a Variant of Uncertain Significance.

NM_000260.4(MYO7A):c.4441+54_4441+55insACCTACAAATTCTCAGGTACCCCGCAGCCTGCAATGCTCCCAGTCCCTTGCTCTGTAGCTCCAGCCCACA

Gene: MYO7A (myosin VIIA; plus strand). Cytogenetic location: 11q13.5.
Variant type: Insertion.
Coding change: c.4441+54_4441+55insACCTACAAATTCTCAGGTACCCCGCAGCCTGCAATGCTCCCAGTCCCTTGCTCTGTAGCTCCAGCCCACA on transcript NM_000260.4 (MANE Select); bases 54 to 55 of the intron after coding-DNA position 4441, ACCTACAAATTCTCAGGTACCCCGCAGCCTGCAATGCTCCCAGTCCCTTGCTCTGTAGCTCCAGCCCACA inserted.
Molecular consequence: splice donor variant.
Genome position: GRCh38: chr11:77,197,652-77,197,653. GRCh37 (hg19): chr11:76,908,697-76,908,698.
Other names: c.4408+54_4408+55insACCTACAAATTCTCAGGTACCCCGCAGCCTGCAATGCTCCCAGTCCCTTGCTCTGTAGCTCCAGCCCACA (NM_001369365.1); c.4441+54_4441+55insACCTACAAATTCTCAGGTACCCCGCAGCCTGCAATGCTCCCAGTCCCTTGCTCTGTAGCTCCAGCCCACA (NM_001127180.2).
Identifiers: ClinVar variation 1523810 (VCV001523810.8), dbSNP rs2135658903, ClinGen allele CA2573147729.